The following is an entry in ClinVar:

NM_000159.4(GCDH):c.591C>T (p.Tyr197=)

Gene: GCDH (glutaryl-CoA dehydrogenase; plus strand). Cytogenetic location: 19p13.13.
Variant type: single nucleotide variant.
Coding change: c.591C>T on transcript NM_000159.4 (MANE Select); coding-DNA position 591, C replaced by T.
Protein change: p.Tyr197=; no amino-acid change (tyrosine 197 retained).
Molecular consequence: synonymous variant. On other transcripts: non-coding transcript variant (2).
Genome position (GRCh38, 1-based): chr19:12,896,077, C>T. VCF-style: chr19-12896077-C-T. GRCh37 (hg19) VCF-style: chr19-13006891-C-T.
Other names: c.591C>T, p.Tyr197= (NM_013976.5).
Identifiers: ClinVar variation 511144 (VCV000511144.31), dbSNP rs755546081, ClinGen allele CA9234434.

ClinVar aggregate classification (germline): Likely benign. Review status: criteria provided, multiple submitters, no conflicts (2 of 4 stars). 3 submissions from 3 submitters: Likely benign (3). Last evaluated 2024-01-01.

Conditions:
Glutaric aciduria, type 1. Also called: Glutaryl-CoA dehydrogenase deficiency; Glutaricacidemia Type 1; Glutaricaciduria, type I; Glutaric Acidemia Type 1; GA I; Glutaric acidemia type I. Identifiers: Orphanet 25, MedGen C0268595, MONDO:0009281, OMIM 231670.

Allele frequency attached by ClinVar (database versions not stated): gnomAD exomes below 0.00001; TOPMed below 0.00001; ExAC 0.00001.

Submissions (3):

CeGaT Center for Human Genetics Tuebingen
Classification: Likely benign. Last evaluated: 2024-01-01. Review status: criteria provided, single submitter. Criteria: CeGaT Center For Human Genetics Tuebingen Variant Classification Criteria Version 2. Collection method: clinical testing. Allele origin: germline. Affected: yes. Observed: 1 variant allele.
Comment: GCDH: BP4, BP7

Labcorp Genetics (formerly Invitae), Labcorp
Classification: Likely benign for Glutaric aciduria, type 1. Last evaluated: 2023-12-25. Review status: criteria provided, single submitter. Criteria: Invitae Variant Classification Sherloc (09022015). Collection method: clinical testing. Allele origin: germline.

GeneDx
Classification: Likely benign. Last evaluated: 2017-08-14. Review status: criteria provided, single submitter. Criteria: GeneDx Variant Classification (06012015). Collection method: clinical testing. Allele origin: germline. Affected: yes.
Comment: This variant is considered likely benign or benign based on one or more of the following criteria: it is a conservative change, it occurs at a poorly conserved position in the protein, it is predicted to be benign by multiple in silico algorithms, and/or has population frequency not consistent with disease.